The following is an entry in ClinVar:

ClinVar aggregate classification (germline): Uncertain significance. Review status: criteria provided, multiple submitters, no conflicts (2 of 4 stars). 2 submissions from 2 submitters: Uncertain significance (2). Last evaluated 2025-10-07.

Allele frequency attached by ClinVar (database versions not stated): gnomAD 0.00002; gnomAD exomes 0.00002; TOPMed 0.00002.
gnomAD v4.1: 33 of 1,614,002 alleles (0.002%); highest among the groups gnomAD compares: Non-Finnish European, 0.0026%; no homozygotes.

Submissions (2):

Ambry Genetics
Classification: Uncertain significance. Last evaluated: 2025-10-07. Review status: criteria provided, single submitter. Criteria: Ambry Variant Classification Scheme 2023. Collection method: clinical testing. Allele origin: germline.

Labcorp Genetics (formerly Invitae), Labcorp
Classification: Uncertain significance. Last evaluated: 2024-11-27. Review status: criteria provided, single submitter. Criteria: Invitae Variant Classification Sherloc (09022015). Collection method: clinical testing. Allele origin: germline.
Comment: This sequence change replaces glycine, which is neutral and non-polar, with aspartic acid, which is acidic and polar, at codon 222 of the CA4 protein (p.Gly222Asp). This variant is present in population databases (no rsID available, gnomAD 0.007%). This variant has not been reported in the literature in individuals affected with CA4-related conditions. ClinVar contains an entry for this variant (Variation ID: 1948032). Invitae Evidence Modeling of protein sequence and biophysical properties (such as structural, functional, and spatial information, amino acid conservation, physicochemical variation, residue mobility, and thermodynamic stability) indicates that this missense variant is expected to disrupt CA4 protein function with a positive predictive value of 80%. In summary, the available evidence is currently insufficient to determine the role of this variant in disease. Therefore, it has been classified as a Variant of Uncertain Significance.

NM_000717.5(CA4):c.665G>A (p.Gly222Asp)

Gene: CA4 (carbonic anhydrase 4; plus strand). Cytogenetic location: 17q23.1.
Variant type: single nucleotide variant.
Coding change: c.665G>A on transcript NM_000717.5 (MANE Select); coding-DNA position 665, G replaced by A.
Protein change: p.Gly222Asp; replaces glycine 222 with aspartic acid.
Molecular consequence: missense variant. On other transcripts: non-coding transcript variant (1).
Genome position (GRCh38, 1-based): chr17:60,158,367, G>A. VCF-style: chr17-60158367-G-A. GRCh37 (hg19) VCF-style: chr17-58235728-G-A.
Other names: c.665G>A (NM_000717.3); short protein forms G222D.
Identifiers: ClinVar variation 1948032 (VCV001948032.7), dbSNP rs1403296670, ClinGen allele CA400459628.
Genomic context (GRCh38, chr17:60,158,367, plus strand): 5'-GCAGCCTGTTGGACCTGCTCCCCAAGGAGGAGAAACTGAGGCACTACTTCCGCTACCTGG[G>A]CTCACTCACCACACCGACCTGCGATGAGAAGGTCGTCTGGACTGTGTTCCGGGAGCCCAT-3'
Protein context (NP_000708.1, residues 212-232): EKLRHYFRYL[Gly222Asp]SLTTPTCDEK